The following is an entry in ClinVar:

NM_003680.4(YARS1):c.1181T>G (p.Val394Gly)

Gene: YARS1 (tyrosyl-tRNA synthetase 1; minus strand). Cytogenetic location: 1p35.1.
Variant type: single nucleotide variant.
Coding change: c.1181T>G on transcript NM_003680.4 (MANE Select); coding-DNA position 1181, T replaced by G.
Protein change: p.Val394Gly; replaces valine 394 with glycine.
Molecular consequence: missense variant.
Genome position (GRCh38, 1-based): chr1:32,780,238, A>C on the plus strand (T>G on the coding strand, the complement: YARS1 is on the minus strand). VCF-style: chr1-32780238-A-C. GRCh37 (hg19) VCF-style: chr1-33245839-A-C.
Other names: short protein forms V394G.
Identifiers: ClinVar variation 1060955 (VCV001060955.7), dbSNP rs2148599987, ClinGen allele CA339681774.

ClinVar aggregate classification (germline): Uncertain significance (1 of 4 stars; one submission).

Conditions:
Charcot-Marie-Tooth disease dominant intermediate C (CMTDIC). Also called: CHARCOT-MARIE-TOOTH NEUROPATHY, DOMINANT INTERMEDIATE C. Identifiers: Orphanet 100045, MedGen C1842237, MONDO:0012012, OMIM 608323.

Submission:

Labcorp Genetics (formerly Invitae), Labcorp
Classification: Uncertain significance for Charcot-Marie-Tooth disease dominant intermediate C. Last evaluated: 2020-05-21. Review status: criteria provided, single submitter. Criteria: Invitae Variant Classification Sherloc (09022015). Collection method: clinical testing. Allele origin: germline.
Comment: This variant is not present in population databases (ExAC no frequency). This sequence change replaces valine with glycine at codon 394 of the YARS protein (p.Val394Gly). The valine residue is moderately conserved and there is a moderate physicochemical difference between valine and glycine. In summary, the available evidence is currently insufficient to determine the role of this variant in disease. Therefore, it has been classified as a Variant of Uncertain Significance. Algorithms developed to predict the effect of missense changes on protein structure and function are either unavailable or do not agree on the potential impact of this missense change (SIFT: "Not Available"; PolyPhen-2: "Probably Damaging"; Align-GVGD: "Not Available"). This variant has not been reported in the literature in individuals with YARS-related conditions.